The following is an entry in ClinVar:

NM_000051.4(ATM):c.3376_3377insTCACGCCTGTAATCCCAGCACTTTGGGAGGCCGAGGCGGGTGGATCACGAGGTCAGGAGTTCGAGACCATCCTGGCTAACACGGTGAAACCCCGTCTCTNNNNNNNNNNAAAAAAAAAAAAAAAAAAAAGAAAATGCATACTTGA (p.Lys1126fs)

Gene: ATM (ATM serine/threonine kinase; plus strand). Cytogenetic location: 11q22.3.
Variant type: Insertion.
Coding change: c.3376_3377insTCACGCCTGTAATCCCAGCACTTTGGGAGGCCGAGGCGGGTGGATCACGAGGTCAGGAGTTCGAGACCATCCTGGCTAACACGGTGAAACCCCGTCTCTNNNNNNNNNNAAAAAAAAAAAAAAAAAAAAGAAAATGCATACTTGA on transcript NM_000051.4 (MANE Select); coding-DNA positions 3376 to 3377, TCACGCCTGTAATCCCAGCACTTTGGGAGGCCGAGGCGGGTGGATCACGAGGTCAGGAGTTCGAGACCATCCTGGCTAACACGGTGAAACCCCGTCTCTNNNNNNNNNNAAAAAAAAAAAAAAAAAAAAGAAAATGCATACTTGA inserted.
Protein change: p.Lys1126fs; shifts the reading frame from lysine 1126.
Molecular consequence: frameshift variant.
Genome position: GRCh38: chr11:108,279,582-108,279,583. GRCh37 (hg19): chr11:108,150,309-108,150,310.
Other names: c.3376_3377insTCACGCCTGTAATCCCAGCACTTTGGGAGGCCGAGGCGGGTGGATCACGAGGTCAGGAGTTCGAGACCATCCTGGCTAACACGGTGAAACCCCGTCTCTNNNNNNNNNNAAAAAAAAAAAAAAAAAAAAGAAAATGCATACTTGA, p.Lys1126fs (NM_001351834.2); short protein forms K1126fs.
Identifiers: ClinVar variation 1076584 (VCV001076584.7), dbSNP rs2135644510.

ClinVar aggregate classification (germline): Pathogenic (1 of 4 stars; one submission).

Conditions:
Ataxia-telangiectasia syndrome (AT). Also called: Cerebello-oculocutaneous telangiectasia; Immunodeficiency with ataxia telangiectasia; ATAXIA-TELANGIECTASIA, FRESNO VARIANT; Ataxia-telangiectasia, complementation group D; Ataxia telangiectasia (A-T); LOUIS-BAR SYNDROME. Identifiers: Orphanet 100, MedGen C0004135, MONDO:0008840, OMIM 208900.

Submission:

Labcorp Genetics (formerly Invitae), Labcorp
Classification: Pathogenic for Ataxia-telangiectasia syndrome. Last evaluated: 2020-07-28. Review status: criteria provided, single submitter. Criteria: Invitae Variant Classification Sherloc (09022015). Collection method: clinical testing. Allele origin: germline.
Comment: For these reasons, this variant has been classified as Pathogenic. Retrotransposon insertions including LINE1 (L1), Alu, and SVA (SINE-VNTR-Alu) have been reported to be disease-causing through disruption of either a coding region or splice site (PMID: 19763152, 20307669, 22406018) and loss-of-function variants in ATM are known to be pathogenic (PMID: 23807571, 25614872). Algorithms developed to predict the effect of sequence changes on RNA splicing suggest that this variant may create or strengthen a splice site, but this prediction has not been confirmed by published transcriptional studies. This variant has not been reported in the literature in individuals with ATM-related conditions. This sequence change inserts a large fragment of DNA, likely a transposable element, in exon 23 of the ATM gene (c.3376_3377insAlu), causing a frameshift at codon 1126 (p.Lys1126fs). The exact size and sequence of the insertion cannot be determined by the current assay. However, the insertion is expected to result in an absent or disrupted protein product.

Literature cited by the submitters: PubMed 19763152; PubMed 20307669; PubMed 22406018; PubMed 23807571; PubMed 25614872.